The following is an entry in ClinVar:

NM_001013838.3(CARMIL2):c.4037-1G>A

Gene: CARMIL2 (capping protein regulator and myosin 1 linker 2; plus strand). Cytogenetic location: 16q22.1.
Variant type: single nucleotide variant.
Coding change: c.4037-1G>A on transcript NM_001013838.3 (MANE Select); the canonical splice acceptor site of the intron before coding-DNA position 4037, G replaced by A.
Molecular consequence: splice acceptor variant. On other transcripts: intron variant (2).
Genome position (GRCh38, 1-based): chr16:67,656,800, G>A. VCF-style: chr16-67656800-G-A. GRCh37 (hg19) VCF-style: chr16-67690703-G-A.
Other names: c.3929-1G>A (NM_001438835.1); c.3929-34G>A (NM_001438244.1); c.3928+155G>A (NM_001317026.3).
Identifiers: ClinVar variation 4797350 (VCV004797350.1).
Genomic context (GRCh38, chr16:67,656,800, plus strand): 5'-GAGGCAAGGGCTGGAGTGGGGGCAGCTGTTGGAATACCCCTGATTCCCTGGCCTCCCTCA[G>A]ATGGCCAGCTGAGGCCGAGGCCTCTCTCGGCAGGGCGGCGAGCAGTGTCTGTGCATGAGG-3'

ClinVar aggregate classification (germline): Likely pathogenic (1 of 4 stars; one submission).

Submission:

Labcorp Genetics (formerly Invitae), Labcorp
Classification: Likely pathogenic. Last evaluated: 2025-10-01. Review status: criteria provided, single submitter. Criteria: Invitae Variant Classification Sherloc (09022015). Collection method: clinical testing. Allele origin: germline.
Comment: This sequence change affects an acceptor splice site in intron 35 of the CARMIL2 gene. It is expected to disrupt RNA splicing. Variants that disrupt the donor or acceptor splice site typically lead to a loss of protein function (PMID: 16199547), and loss-of-function variants in CARMIL2 are known to be pathogenic (PMID: 27647349, 28112205). This variant is not present in population databases (gnomAD no frequency). This variant has not been reported in the literature in individuals affected with CARMIL2-related conditions. Algorithms developed to predict the effect of sequence changes on RNA splicing suggest that this variant may disrupt the consensus splice site. In summary, the currently available evidence indicates that the variant is pathogenic, but additional data are needed to prove that conclusively. Therefore, this variant has been classified as Likely Pathogenic.

Literature cited by the submitters: PubMed 16199547; PubMed 27647349; PubMed 28112205.